The following is an entry in ClinVar:

ClinVar aggregate classification (germline): Uncertain significance (1 of 4 stars; one submission).

Conditions:
Cardiovascular phenotype. Identifiers: MedGen CN230736.

Submission:

Ambry Genetics
Classification: Uncertain significance for Cardiovascular phenotype. Last evaluated: 2025-03-01. Review status: criteria provided, single submitter. Criteria: Ambry Variant Classification Scheme 2023. Collection method: clinical testing. Allele origin: germline.
Comment: The p.D329N variant (also known as c.985G>A), located in coding exon 7 of the SPRED1 gene, results from a G to A substitution at nucleotide position 985. The aspartic acid at codon 329 is replaced by asparagine, an amino acid with highly similar properties. This amino acid position is conserved. In addition, this alteration is predicted to be tolerated by in silico analysis. Based on the available evidence, the clinical significance of this variant remains unclear.

NM_152594.3(SPRED1):c.985G>A (p.Asp329Asn)

Gene: SPRED1 (sprouty related EVH1 domain containing 1; plus strand). Cytogenetic location: 15q14.
Variant type: single nucleotide variant.
Coding change: c.985G>A on transcript NM_152594.3 (MANE Select); coding-DNA position 985, G replaced by A.
Protein change: p.Asp329Asn; replaces aspartic acid 329 with asparagine.
Molecular consequence: missense variant.
Genome position (GRCh38, 1-based): chr15:38,351,314, G>A. VCF-style: chr15-38351314-G-A. GRCh37 (hg19) VCF-style: chr15-38643515-G-A.
Other names: short protein forms D329N.
Identifiers: ClinVar variation 3800933 (VCV003800933.1).